The following is an entry in ClinVar:

NM_000744.7(CHRNA4):c.183_195dup (p.Phe66fs)

Gene: CHRNA4 (cholinergic receptor nicotinic alpha 4 subunit; minus strand). Cytogenetic location: 20q13.33.
Variant type: Duplication.
Coding change: c.183_195dup on transcript NM_000744.7 (MANE Select); coding-DNA positions 183 to 195, 13 bases duplicated (GGTCCTCGTCCGC).
Protein change: p.Phe66fs; shifts the reading frame from phenylalanine 66.
Molecular consequence: frameshift variant. On other transcripts: 5 prime UTR variant (1), non-coding transcript variant (1).
Genome position (GRCh38, 1-based): chr20:63,359,581-63,359,593, GCGGACGAGGACC duplicated on the plus strand (GGTCCTCGTCCGC on the coding strand, the reverse complement: CHRNA4 is on the minus strand). VCF-style (leftmost placement, unchanged base first): chr20-63359580-A-AGCGGACGAGGACC. GRCh37 (hg19) VCF-style: chr20-61990932-A-AGCGGACGAGGACC.
Other names: c.-364_-352dup (NM_001256573.2); short protein forms F66fs.
Identifiers: ClinVar variation 2896554 (VCV002896554.3), dbSNP rs2516573127, ClinGen allele CA2577453241.
Genomic context (GRCh38, chr20:63,359,580, plus strand): 5'-AGTGCACGATGGCCACGCCCTCACCTACCACGTCAATGAGCTGAGCGATGGACAGGCCGA[A>AGCGGACGAGGACC]GCGGACGAGGACCACGTCCGAGATGTTGGCCACGGGTCGGGACCACTTGTTGTAACCGGA-3'

ClinVar aggregate classification (germline): Uncertain significance (1 of 4 stars; one submission).

Conditions:
Familial sleep-related hypermotor epilepsy. Also called: Autosomal Dominant Sleep-Related Hypermotor (Hyperkinetic) Epilepsy. Identifiers: Orphanet 98784, MedGen C3696898, MONDO:0000030.

Allele frequency attached by ClinVar (database versions not stated): gnomAD exomes below 0.00001.

Submission:

Labcorp Genetics (formerly Invitae), Labcorp
Classification: Uncertain significance. Last evaluated: 2023-03-10. Review status: criteria provided, single submitter. Criteria: Invitae Variant Classification Sherloc (09022015). Collection method: clinical testing. Allele origin: germline.
Comment: In summary, the available evidence is currently insufficient to determine the role of this variant in disease. Therefore, it has been classified as a Variant of Uncertain Significance. This variant has not been reported in the literature in individuals affected with CHRNA4-related conditions. This variant is not present in population databases (gnomAD no frequency). This sequence change creates a premature translational stop signal (p.Phe66Glyfs*14) in the CHRNA4 gene. It is expected to result in an absent or disrupted protein product. However, the current clinical and genetic evidence is not sufficient to establish whether loss-of-function variants in CHRNA4 cause disease.